The following is an entry in ClinVar:

ClinVar aggregate classification (germline): Uncertain significance. Review status: criteria provided, multiple submitters, no conflicts (2 of 4 stars). 3 submissions from 3 submitters: Uncertain significance (3). Last evaluated 2025-12-17.

Conditions:
Pulmonary fibrosis and/or bone marrow failure, Telomere-related, 3. Also called: PULMONARY FIBROSIS AND/OR BONE MARROW FAILURE SYNDROME, TELOMERE-RELATED, 3. Identifiers: Orphanet 2032, MedGen C4225346, MONDO:0014613, OMIM 616373.
Dyskeratosis congenita, autosomal recessive 5 (DKCB5). Identifiers: MedGen C3554656, MONDO:0014076, OMIM 615190.
Inborn genetic diseases. Identifiers: MedGen C0950123, MeSH D030342.

Submissions (3):

Ambry Genetics
Classification: Uncertain significance for Inborn genetic diseases. Last evaluated: 2025-12-17. Review status: criteria provided, single submitter. Criteria: Ambry Variant Classification Scheme 2023. Collection method: clinical testing. Allele origin: germline.
Comment: The p.Q680L variant (also known as c.2039A>T), located in coding exon 23 of the RTEL1 gene, results from an A to T substitution at nucleotide position 2039. The glutamine at codon 680 is replaced by leucine, an amino acid with dissimilar properties. This amino acid position is conserved. In addition, the in silico prediction for this alteration is inconclusive. Based on the available evidence, the clinical significance of this variant remains unclear.

Mayo Clinic Laboratories, Mayo Clinic
Classification: Uncertain significance. Last evaluated: 2022-05-24. Review status: criteria provided, single submitter. Criteria: ACMG Guidelines, 2015. Collection method: clinical testing. Allele origin: germline. Observed: 1 variant allele.
Comment: PM2

Labcorp Genetics (formerly Invitae), Labcorp
Classification: Uncertain significance for Dyskeratosis congenita, autosomal recessive 5; Pulmonary fibrosis and/or bone marrow failure, Telomere-related, 3. Last evaluated: 2021-12-23. Review status: criteria provided, single submitter. Criteria: Invitae Variant Classification Sherloc (09022015). Collection method: clinical testing. Allele origin: germline.
Comment: This sequence change replaces glutamine, which is neutral and polar, with leucine, which is neutral and non-polar, at codon 680 of the RTEL1 protein (p.Gln680Leu). This variant is not present in population databases (gnomAD no frequency). This variant has not been reported in the literature in individuals affected with RTEL1-related conditions. Algorithms developed to predict the effect of missense changes on protein structure and function (SIFT, PolyPhen-2, Align-GVGD) all suggest that this variant is likely to be disruptive. In summary, the available evidence is currently insufficient to determine the role of this variant in disease. Therefore, it has been classified as a Variant of Uncertain Significance.

NM_001283009.2(RTEL1):c.2039A>T (p.Gln680Leu)

Genes: RTEL1 (regulator of telomere elongation helicase 1; plus strand), RTEL1-TNFRSF6B (RTEL1-TNFRSF6B readthrough (NMD candidate); plus strand). Cytogenetic location: 20q13.33.
Variant type: single nucleotide variant.
Coding change: c.2039A>T on transcript NM_001283009.2 (MANE Select); coding-DNA position 2039, A replaced by T.
Protein change: p.Gln680Leu; replaces glutamine 680 with leucine.
Molecular consequence: missense variant. On other transcripts: non-coding transcript variant (1).
Genome position (GRCh38, 1-based): chr20:63,689,763, A>T. VCF-style: chr20-63689763-A-T. GRCh37 (hg19) VCF-style: chr20-62321116-A-T.
Other names: p.Gln704Leu; c.2111A>T (NM_032957.4); c.1370A>T, p.Gln457Leu (NM_001283010.1); c.2039A>T, p.Gln680Leu (NM_016434.4); c.2111A>T, p.Gln704Leu (NM_032957.5); short protein forms Q680L, Q457L, Q704L.
Identifiers: ClinVar variation 1917508 (VCV001917508.7), dbSNP rs2517134695, ClinGen allele CA409679007.